The following is an entry in ClinVar:

NM_001005361.3(DNM2):c.2264C>A (p.Thr755Asn)

Gene: DNM2 (dynamin 2; plus strand). Cytogenetic location: 19p13.2.
Variant type: single nucleotide variant.
Coding change: c.2264C>A on transcript NM_001005361.3 (MANE Select); coding-DNA position 2264, C replaced by A.
Protein change: p.Thr755Asn; replaces threonine 755 with asparagine.
Molecular consequence: missense variant.
Genome position (GRCh38, 1-based): chr19:10,829,241, C>A. VCF-style: chr19-10829241-C-A. GRCh37 (hg19) VCF-style: chr19-10939917-C-A.
Other names: c.2264C>A, p.Thr755Asn (NM_001005360.3, NM_001190716.2); c.2252C>A, p.Thr751Asn (NM_001005362.3, NM_004945.4); short protein forms T755N, T751N.
Identifiers: ClinVar variation 568530 (VCV000568530.8), dbSNP rs754691182, ClinGen allele CA404043205.
Genomic context (GRCh38, chr19:10,829,241, plus strand): 5'-TCATCGGTGACATCAGCACCAGCACTGTGTCCACGCCTGTACCCCCGCCTGTCGATGACA[C>A]CTGGCTCCAGAGCGCCAGCAGCCACAGGTCCGGAAGCCTGGTTCCCCTACCCTCAAGCAT-3'
Protein context (NP_001005361.1, residues 745-765): STPVPPPVDD[Thr755Asn]WLQSASSHSP

ClinVar aggregate classification (germline): Uncertain significance (1 of 4 stars; one submission).

Conditions:
Charcot-Marie-Tooth disease dominant intermediate B (CMTDIB). Also called: CHARCOT-MARIE-TOOTH NEUROPATHY, DOMINANT INTERMEDIATE B; Charcot-Marie-Tooth disease dominant intermediate 1; CMT DI1; Charcot-Marie-Tooth disease dominant intermediate I. Identifiers: Orphanet 100044, Orphanet 228179, MedGen C1847902, MONDO:0011674, OMIM 606482.

Submission:

Labcorp Genetics (formerly Invitae), Labcorp
Classification: Uncertain significance for Charcot-Marie-Tooth disease dominant intermediate B. Last evaluated: 2024-09-11. Review status: criteria provided, single submitter. Criteria: Invitae Variant Classification Sherloc (09022015). Collection method: clinical testing. Allele origin: germline.
Comment: This sequence change replaces threonine, which is neutral and polar, with asparagine, which is neutral and polar, at codon 755 of the DNM2 protein (p.Thr755Asn). This variant is not present in population databases (gnomAD no frequency). This missense change has been observed in individual(s) with congenital myopathy (PMID: 25214167). This variant is also known as c.C2252A (p.T751N). ClinVar contains an entry for this variant (Variation ID: 568530). Invitae Evidence Modeling of protein sequence and biophysical properties (such as structural, functional, and spatial information, amino acid conservation, physicochemical variation, residue mobility, and thermodynamic stability) has been performed for this missense variant. However, the output from this modeling did not meet the statistical confidence thresholds required to predict the impact of this variant on DNM2 protein function. In summary, the available evidence is currently insufficient to determine the role of this variant in disease. Therefore, it has been classified as a Variant of Uncertain Significance.

Literature cited by the submitters: PubMed 25214167.